The following is an entry in ClinVar:

ClinVar aggregate classification (germline): Benign (1 of 4 stars; one submission).

Allele frequency attached by ClinVar (database versions not stated): gnomAD 0.54166; TOPMed 0.56123; 1000 Genomes Project 0.59305; 1000 Genomes Project 30x 0.59603.
gnomAD v4.1: 82,343 of 152,002 alleles (54%); highest among the groups gnomAD compares: Admixed American, 63%; 22,729 homozygotes.

Submission:

Unidad de Genómica Garrahan, Hospital de Pediatría Garrahan
Classification: Benign. Last evaluated: 2024-01-24. Review status: criteria provided, single submitter. Criteria: ACMG Guidelines, 2015. Collection method: clinical testing. Allele origin: germline. Affected: no. Observed: 74 variant alleles.
Comment: This variant is classified as Benign based on local population frequency. This variant was detected in 84% of patients studied by a panel of primary immunodeficiencies. Number of patients: 74. Only high quality variants are reported.

NM_031483.7(ITCH):c.70+3468A>G

Gene: ITCH (itchy E3 ubiquitin protein ligase; plus strand). Cytogenetic location: 20q11.22.
Variant type: single nucleotide variant.
Coding change: c.70+3468A>G on transcript NM_031483.7 (MANE Select); 3468 bases into the intron after coding-DNA position 70, A replaced by G.
Molecular consequence: intron variant.
Genome position (GRCh38, 1-based): chr20:34,397,349, A>G. VCF-style: chr20-34397349-A-G. GRCh37 (hg19) VCF-style: chr20-32985155-A-G.
Other names: c.70+3468A>G (NM_001324197.2, NM_001324198.2, NM_001257137.3); c.-119+3468A>G (NM_001257138.3).
Identifiers: ClinVar variation 2688542 (VCV002688542.2), dbSNP rs6087579, ClinGen allele CA14786842.